The following is an entry in ClinVar:

ClinVar aggregate classification (germline): Uncertain significance. Review status: criteria provided, multiple submitters, no conflicts (2 of 4 stars). 2 submissions from 2 submitters: Uncertain significance (2). Last evaluated 2025-11-17.

Conditions:
Kabuki syndrome 2 (KABUK2). Also called: KDM6A-Related Kabuki Syndrome. Identifiers: Orphanet 2322, MedGen C3275495, MONDO:0010465, OMIM 300867.

Submissions (2):

Labcorp Genetics (formerly Invitae), Labcorp
Classification: Uncertain significance for Kabuki syndrome 2. Last evaluated: 2025-11-17. Review status: criteria provided, single submitter. Criteria: Invitae Variant Classification Sherloc (09022015). Collection method: clinical testing. Allele origin: germline.
Comment: This variant, c.39_44dup, results in the insertion of 2 amino acid(s) of the KDM6A protein (p.Ala16_Ala17dup), but otherwise preserves the integrity of the reading frame. This variant is present in population databases (no rsID available, gnomAD 0.001%). This variant has not been reported in the literature in individuals affected with KDM6A-related conditions. ClinVar contains an entry for this variant (Variation ID: 2178286). Experimental studies and prediction algorithms are not available or were not evaluated, and the functional significance of this variant is currently unknown. In summary, the available evidence is currently insufficient to determine the role of this variant in disease. Therefore, it has been classified as a Variant of Uncertain Significance.

Fulgent Genetics
Classification: Uncertain significance for Kabuki syndrome 2. Last evaluated: 2024-05-10. Review status: criteria provided, single submitter. Criteria: ACMG Guidelines, 2015. Collection method: clinical testing. Allele origin: germline.

NM_001291415.2(KDM6A):c.39_44dup (p.Ala17_Phe18insAlaAla)

Gene: KDM6A (lysine demethylase 6A; plus strand). Cytogenetic location: Xp11.3.
Variant type: Duplication.
Coding change: c.39_44dup on transcript NM_001291415.2 (MANE Select); coding-DNA positions 39 to 44, 6 bases duplicated (TGCCGC; older notation c.39_44dupTGCCGC).
Protein change: p.Ala17_Phe18insAlaAla.
Molecular consequence: inframe insertion. On other transcripts: 5 prime UTR variant (1), inframe indel (1), non-coding transcript variant (1).
Genome position (GRCh38, 1-based): chrX:44,873,590-44,873,595, TGCCGC duplicated; duplicating any 6 consecutive bases within chrX:44,873,585-44,873,595 gives the same sequence; the c. name uses the placement nearest the transcript's 3' end. VCF-style (leftmost placement, unchanged base first): chrX-44873584-C-CGCCGCT. GRCh37 (hg19) VCF-style: chrX-44732830-C-CGCCGCT.
Other names: c.39_44dup (NM_021140.3); c.39_44dup, p.Ala17_Phe18insAlaAla (NM_001291416.2, NM_001291417.2, NM_001291418.2 and 2 more transcripts); c.-594_-589dup (NM_001291421.2).
Identifiers: ClinVar variation 2178286 (VCV002178286.4), dbSNP rs1569312792, ClinGen allele CA641679655.